The following is an entry in ClinVar:

ClinVar aggregate classification (germline): not provided (0 of 4 stars; one submission).

Allele frequency attached by ClinVar (database versions not stated): gnomAD 0.00001.
gnomAD v4.1: 1 of 1,614,098 alleles (0.000062%); highest among the groups gnomAD compares: African/African-American, 0.0013%; no homozygotes.

Submission:

Human Evolutionary Genetics, Institut Pasteur
No classification provided. Review status: no classification provided. Collection method: not provided. Allele origin: germline.
ClinVar note: Converted during submission from untested to not provided.

NM_001384950.1(NLRC5):c.2009A>C (p.Asp670Ala)

Gene: NLRC5 (NLR family CARD domain containing 5; plus strand). Cytogenetic location: 16q13.
Variant type: single nucleotide variant.
Coding change: c.2009A>C on transcript NM_001384950.1 (MANE Select); coding-DNA position 2009, A replaced by C.
Protein change: p.Asp670Ala; replaces aspartic acid 670 with alanine.
Molecular consequence: missense variant. On other transcripts: non-coding transcript variant (9).
Genome position (GRCh38, 1-based): chr16:57,026,952, A>C. VCF-style: chr16-57026952-A-C. GRCh37 (hg19) VCF-style: chr16-57060864-A-C.
Other names: c.2009A>C, p.Asp670Ala (NM_001330552.2, NM_001384951.1, NM_001384952.1 and 21 more transcripts); c.1838A>C, p.Asp613Ala (NM_001384972.1); short protein forms D670A, D613A.
Identifiers: ClinVar variation 103156 (VCV000103156.2), dbSNP rs199475975, ClinGen allele CA230199.